The following continues an entry in ClinVar:

NM_001267550.2(TTN):c.103688T>C (p.Val34563Ala)

ClinVar aggregate classification (germline): Conflicting classifications of pathogenicity. Uncertain significance (8); Benign (4); Likely benign (7).

Submissions 13 to 19 of 19:

Illumina Laboratory Services, Illumina
Classification: Benign for Tibial muscular dystrophy. Last evaluated: 2018-01-13. Review status: criteria provided, single submitter. Criteria: ICSL Variant Classification Criteria 13 December 2019. Collection method: clinical testing. Allele origin: germline.
Comment: This variant was observed in the ICSL laboratory as part of a predisposition screen in an ostensibly healthy population. It had not been previously curated by ICSL or reported in the Human Gene Mutation Database (HGMD: prior to June 1st, 2018), and was therefore a candidate for classification through an automated scoring system. Utilizing variant allele frequency, disease prevalence and penetrance estimates, and inheritance mode, an automated score was calculated to assess if this variant is too frequent to cause the disease. Based on the score and internal cut-off values, a variant classified as benign is not then subjected to further curation. The score for this variant resulted in a classification of benign for this disease.

Illumina Laboratory Services, Illumina
Classification: Benign for Myopathy, myofibrillar, 9, with early respiratory failure. Last evaluated: 2018-01-13. Review status: criteria provided, single submitter. Criteria: ICSL Variant Classification Criteria 13 December 2019. Collection method: clinical testing. Allele origin: germline.
Comment: the same text as in the submission from Illumina Laboratory Services, Illumina above.

Illumina Laboratory Services, Illumina
Classification: Uncertain significance for Dilated cardiomyopathy 1G. Last evaluated: 2018-01-13. Review status: criteria provided, single submitter. Criteria: ICSL Variant Classification Criteria 13 December 2019. Collection method: clinical testing. Allele origin: germline.

Illumina Laboratory Services, Illumina
Classification: Uncertain significance for Autosomal recessive limb-girdle muscular dystrophy type 2J. Last evaluated: 2018-01-13. Review status: criteria provided, single submitter. Criteria: ICSL Variant Classification Criteria 13 December 2019. Collection method: clinical testing. Allele origin: germline.

Illumina Laboratory Services, Illumina
Classification: Uncertain significance for Early-onset myopathy with fatal cardiomyopathy. Last evaluated: 2018-01-13. Review status: criteria provided, single submitter. Criteria: ICSL Variant Classification Criteria 13 December 2019. Collection method: clinical testing. Allele origin: germline.

GeneDx
Classification: Likely benign. Last evaluated: 2017-06-01. Review status: criteria provided, single submitter. Criteria: GeneDx Variant Classification (06012015). Collection method: clinical testing. Allele origin: germline. Affected: yes.
Comment: This variant is considered likely benign or benign based on one or more of the following criteria: it is a conservative change, it occurs at a poorly conserved position in the protein, it is predicted to be benign by multiple in silico algorithms, and/or has population frequency not consistent with disease.

Eurofins Ntd Llc (ga)
Classification: Uncertain significance. Last evaluated: 2015-10-13. Review status: criteria provided, single submitter. Criteria: EGL Classification Definitions 2015. Collection method: clinical testing. Allele origin: germline. Observed: 5 variant alleles, 5 heterozygotes.

Literature cited by the submitters: PubMed 23396983 (cited by Women's Health and Genetics/Laboratory Corporation of America, LabCorp); PubMed 25447171 (cited by 4 submitters); PubMed 26516846 (cited by Women's Health and Genetics/Laboratory Corporation of America, LabCorp); PubMed 28045975 (cited by Women's Health and Genetics/Laboratory Corporation of America, LabCorp and Athena Diagnostics); PubMed 28539120 (cited by Women's Health and Genetics/Laboratory Corporation of America, LabCorp); PubMed 35585091 (cited by Women's Health and Genetics/Laboratory Corporation of America, LabCorp); PubMed 37904629 (cited by Athena Diagnostics); PubMed 17344846 (cited by Athena Diagnostics).